The following is an entry in ClinVar:

NM_001127222.2(CACNA1A):c.5517C>A (p.Asp1839Glu)

Gene: CACNA1A (calcium voltage-gated channel subunit alpha1 A; minus strand). Cytogenetic location: 19p13.13.
Variant type: single nucleotide variant.
Coding change: c.5517C>A on transcript NM_001127222.2 (MANE Select); coding-DNA position 5517, C replaced by A.
Protein change: p.Asp1839Glu; replaces aspartic acid 1839 with glutamic acid.
Molecular consequence: missense variant.
Genome position (GRCh38, 1-based): chr19:13,230,093, G>T on the plus strand (C>A on the coding strand, the complement: CACNA1A is on the minus strand). VCF-style: chr19-13230093-G-T. GRCh37 (hg19) VCF-style: chr19-13340907-G-T.
Other names: c.5535C>A, p.Asp1845Glu (NM_000068.4, NM_023035.3); c.5520C>A, p.Asp1840Glu (NM_001127221.2); c.5526C>A, p.Asp1842Glu (NM_001174080.2); short protein forms D1840E, D1842E, D1839E, D1845E.
Identifiers: ClinVar variation 422505 (VCV000422505.3), dbSNP rs372083869, ClinGen allele CA9239722.

ClinVar aggregate classification (germline): Uncertain significance (1 of 4 stars; one submission).

Allele frequency attached by ClinVar (database versions not stated): ExAC 0.00002; ESP Exome Variant Server 0.00008.
gnomAD v4.1: 1 of 1,613,640 alleles (0.000062%); highest among the groups gnomAD compares: Non-Finnish European, 0.000085%; no homozygotes.

Submission:

GeneDx
Classification: Uncertain significance. Last evaluated: 2025-05-13. Review status: criteria provided, single submitter. Criteria: GeneDx Variant Classification Process June 2021. Collection method: clinical testing. Allele origin: germline. Affected: yes.
Comment: Not observed at significant frequency in large population cohorts (gnomAD); In silico analysis supports that this missense variant has a deleterious effect on protein structure/function; Has not been previously published as pathogenic or benign to our knowledge